The following is an entry in ClinVar:

ClinVar aggregate classification (germline): Conflicting classifications of pathogenicity. Review status: criteria provided, conflicting classifications (1 of 4 stars). 2 submissions from 2 submitters: Uncertain significance (1); Likely benign (1). Last evaluated 2025-11-12.

Conditions:
Cardiovascular phenotype. Identifiers: MedGen CN230736.
Dilated cardiomyopathy 1DD (CMD1DD). Identifiers: Orphanet 154, MedGen C2750995, MONDO:0013168, OMIM 613172.

Allele frequency attached by ClinVar (database versions not stated): TOPMed below 0.00001; gnomAD exomes 0.00001 and 0.00003; gnomAD 0.00002 and 0.00003; ExAC 0.00005; 1000 Genomes Project 30x 0.00016; 1000 Genomes Project 0.00020.
gnomAD v4.1: 24 of 1,551,694 alleles (0.0015%); highest among the groups gnomAD compares: African/African-American, 0.0041%; no homozygotes.

Submissions (2):

Labcorp Genetics (formerly Invitae), Labcorp
Classification: Likely benign for Dilated cardiomyopathy 1DD. Last evaluated: 2025-11-12. Review status: criteria provided, single submitter. Criteria: Invitae Variant Classification Sherloc (09022015). Collection method: clinical testing. Allele origin: germline.

Ambry Genetics
Classification: Uncertain significance for Cardiovascular phenotype. Last evaluated: 2025-10-30. Review status: criteria provided, single submitter. Criteria: Ambry Variant Classification Scheme 2023. Collection method: clinical testing. Allele origin: germline.
Comment: The p.R761Q variant (also known as c.2282G>A), located in coding exon 9 of the RBM20 gene, results from a G to A substitution at nucleotide position 2282. The arginine at codon 761 is replaced by glutamine, an amino acid with highly similar properties. This variant was reported in individual(s) with features consistent with arrhythmogenic right ventricular cardiomyopathy (ARVC) (Fedida J et al. PLoS One, 2017 Aug;12:e0181840). This variant was also reported in a whole genome sequencing cohort (Qafoud F et al. J Clin Med, 2024 Feb;13:). This amino acid position is well conserved in available vertebrate species. In addition, the in silico prediction for this alteration is inconclusive. Based on the available evidence, the clinical significance of this variant remains unclear.

Literature cited by the submitters: PubMed 28767663 (cited by Ambry Genetics); PubMed 38398418 (cited by Ambry Genetics).

NM_001134363.3(RBM20):c.2282G>A (p.Arg761Gln)

Gene: RBM20 (RNA binding motif protein 20; plus strand). Cytogenetic location: 10q25.2.
Variant type: single nucleotide variant.
Coding change: c.2282G>A on transcript NM_001134363.3 (MANE Select); coding-DNA position 2282, G replaced by A.
Protein change: p.Arg761Gln; replaces arginine 761 with glutamine.
Molecular consequence: missense variant.
Genome position (GRCh38, 1-based): chr10:110,812,679, G>A. VCF-style: chr10-110812679-G-A. GRCh37 (hg19) VCF-style: chr10-112572437-G-A.
Other names: c.2282G>A (NM_001134363.1); short protein forms R761Q.
Identifiers: ClinVar variation 871144 (VCV000871144.19), dbSNP rs556897484, ClinGen allele CA5688678.